The following is an entry in ClinVar:

ClinVar aggregate classification (germline): Uncertain significance (1 of 4 stars; one submission).

Conditions:
Sphingolipid activator protein 1 deficiency. Also called: Metachromatic leukodystrophy due to saposin B deficiency; METACHROMATIC LEUKODYSTROPHY DUE TO CEREBROSIDE SULFATASE ACTIVATOR DEFICIENCY; Saposin B Deficiency. Identifiers: Orphanet 512, MedGen C0268262, MONDO:0009590, OMIM 249900.

Allele frequency attached by ClinVar (database versions not stated): ExAC 0.00001; gnomAD 0.00001 and 0.00002; gnomAD exomes 0.00001; TOPMed 0.00004; 1000 Genomes Project 30x 0.00016; 1000 Genomes Project 0.00020.
gnomAD v4.1: 9 of 1,614,218 alleles (0.00056%); highest among the groups gnomAD compares: Admixed American, 0.0083%; no homozygotes.

Submission:

Labcorp Genetics (formerly Invitae), Labcorp
Classification: Uncertain significance for Sphingolipid activator protein 1 deficiency. Last evaluated: 2022-07-03. Review status: criteria provided, single submitter. Criteria: Invitae Variant Classification Sherloc (09022015). Collection method: clinical testing. Allele origin: germline.
Comment: This sequence change replaces threonine, which is neutral and polar, with alanine, which is neutral and non-polar, at codon 428 of the PSAP protein (p.Thr428Ala). This variant is present in population databases (rs200379457, gnomAD 0.1%). This variant has not been reported in the literature in individuals affected with PSAP-related conditions. ClinVar contains an entry for this variant (Variation ID: 1404051). Algorithms developed to predict the effect of missense changes on protein structure and function are either unavailable or do not agree on the potential impact of this missense change (SIFT: "Not Available"; PolyPhen-2: "Probably Damaging"; Align-GVGD: "Not Available"). In summary, the available evidence is currently insufficient to determine the role of this variant in disease. Therefore, it has been classified as a Variant of Uncertain Significance.

NM_002778.4(PSAP):c.1282A>G (p.Thr428Ala)

Gene: PSAP (prosaposin; minus strand). Cytogenetic location: 10q22.1.
Variant type: single nucleotide variant.
Coding change: c.1282A>G on transcript NM_002778.4 (MANE Select); coding-DNA position 1282, A replaced by G.
Protein change: p.Thr428Ala; replaces threonine 428 with alanine.
Molecular consequence: missense variant.
Genome position (GRCh38, 1-based): chr10:71,819,533, T>C on the plus strand (A>G on the coding strand, the complement: PSAP is on the minus strand). VCF-style: chr10-71819533-T-C. GRCh37 (hg19) VCF-style: chr10-73579290-T-C.
Other names: c.1291A>G, p.Thr431Ala (NM_001042465.3); c.1288A>G, p.Thr430Ala (NM_001042466.3); short protein forms T428A, T430A, T431A.
Identifiers: ClinVar variation 1404051 (VCV001404051.3), dbSNP rs200379457, ClinGen allele CA5547409.
Genomic context (GRCh38, chr10:71,819,533, plus strand): 5'-GGTAAGGGTCTGGCAGGAAGCTGCAGCCTTTCTCAAGAGCAGCCAGGATCTCCTGCTTGG[T>C]GCTGTTTTTCTCCAGGTTGCGATCCAAATAACCCACCAGCTTCTTGCACACTTCGCAGAA-3'
Protein context (NP_002769.1, residues 418-438): YLDRNLEKNS[Thr428Ala]KQEILAALEK